The following is an entry in ClinVar:

ClinVar aggregate classification (germline): Uncertain significance (1 of 4 stars; one submission).

Conditions:
Hereditary cancer-predisposing syndrome. Also called: Hereditary Cancer Syndrome; Neoplastic Syndromes, Hereditary; Tumor predisposition; Hereditary neoplastic syndrome. Identifiers: Orphanet 140162, MedGen C0027672, MeSH D009386, MONDO:0015356.

Submission:

Ambry Genetics
Classification: Uncertain significance for Hereditary cancer-predisposing syndrome. Last evaluated: 2024-04-27. Review status: criteria provided, single submitter. Criteria: Ambry Variant Classification Scheme 2023. Collection method: clinical testing. Allele origin: germline.
Comment: The p.R380P variant (also known as c.1139G>C), located in coding exon 10 of the MRE11A gene, results from a G to C substitution at nucleotide position 1139. The arginine at codon 380 is replaced by proline, an amino acid with dissimilar properties. This amino acid position is highly conserved in available vertebrate species. In addition, this alteration is predicted to be deleterious by in silico analysis. Based on the available evidence, the clinical significance of this variant remains unclear.

NM_005591.4(MRE11):c.1139G>C (p.Arg380Pro)

Gene: MRE11 (MRE11 double strand break repair nuclease; minus strand). Cytogenetic location: 11q21.
Variant type: single nucleotide variant.
Coding change: c.1139G>C on transcript NM_005591.4 (MANE Select); coding-DNA position 1139, G replaced by C.
Protein change: p.Arg380Pro; replaces arginine 380 with proline.
Molecular consequence: missense variant.
Genome position (GRCh38, 1-based): chr11:94,464,199, C>G on the plus strand (G>C on the coding strand, the complement: MRE11 is on the minus strand). VCF-style: chr11-94464199-C-G. GRCh37 (hg19) VCF-style: chr11-94197365-C-G.
Other names: c.1139G>C, p.Arg380Pro (NM_001330347.2, NM_005590.4); short protein forms R380P.
Identifiers: ClinVar variation 479750 (VCV000479750.6), dbSNP rs587781646, ClinGen allele CA382372960.